The following is an entry in ClinVar:

NM_014975.3(MAST1):c.976C>T (p.Arg326Cys)

Gene: MAST1 (microtubule associated serine/threonine kinase 1; plus strand). Cytogenetic location: 19p13.13.
Variant type: single nucleotide variant.
Coding change: c.976C>T on transcript NM_014975.3 (MANE Select); coding-DNA position 976, C replaced by T.
Protein change: p.Arg326Cys; replaces arginine 326 with cysteine.
Molecular consequence: missense variant.
Genome position (GRCh38, 1-based): chr19:12,852,214, C>T. VCF-style: chr19-12852214-C-T. GRCh37 (hg19) VCF-style: chr19-12963028-C-T.
Other names: short protein forms R326C.
Identifiers: ClinVar variation 2419160 (VCV002419160.6), dbSNP rs767761780, ClinGen allele CA9232753.

ClinVar aggregate classification (germline): Uncertain significance (1 of 4 stars; one submission).

Allele frequency attached by ClinVar (database versions not stated): ExAC 0.00001; gnomAD 0.00001; TOPMed 0.00002; gnomAD exomes 0.00003.
gnomAD v4.1: 51 of 1,613,978 alleles (0.0032%); highest among the groups gnomAD compares: East Asian, 0.0045%; no homozygotes.

Submission:

Labcorp Genetics (formerly Invitae), Labcorp
Classification: Uncertain significance. Last evaluated: 2022-05-16. Review status: criteria provided, single submitter. Criteria: Invitae Variant Classification Sherloc (09022015). Collection method: clinical testing. Allele origin: germline.
Comment: In summary, the available evidence is currently insufficient to determine the role of this variant in disease. Therefore, it has been classified as a Variant of Uncertain Significance. Algorithms developed to predict the effect of missense changes on protein structure and function (SIFT, PolyPhen-2, Align-GVGD) all suggest that this variant is likely to be tolerated. This variant has not been reported in the literature in individuals affected with MAST1-related conditions. This variant is present in population databases (rs767761780, gnomAD 0.003%). This sequence change replaces arginine, which is basic and polar, with cysteine, which is neutral and slightly polar, at codon 326 of the MAST1 protein (p.Arg326Cys).